The following is an entry in ClinVar:

NM_001256317.3(TMPRSS3):c.572+2T>C

Gene: TMPRSS3 (transmembrane serine protease 3; minus strand). Cytogenetic location: 21q22.3.
Variant type: single nucleotide variant.
Coding change: c.572+2T>C on transcript NM_001256317.3 (MANE Select); the canonical splice donor site of the intron after coding-DNA position 572, T replaced by C.
Molecular consequence: splice donor variant.
Genome position (GRCh38, 1-based): chr21:42,385,407, A>G on the plus strand (T>C on the coding strand, the complement: TMPRSS3 is on the minus strand). VCF-style: chr21-42385407-A-G. GRCh37 (hg19) VCF-style: chr21-43805516-A-G.
Other names: c.572+2T>C (NM_024022.4, NM_032405.2); c.191+2T>C (NM_032404.3).
Identifiers: ClinVar variation 3601939 (VCV003601939.1).

ClinVar aggregate classification (germline): Pathogenic (1 of 4 stars; one submission).

Conditions:
Autosomal recessive nonsyndromic hearing loss 8 (DFNB8). Also called: NEUROSENSORY NONSYNDROMIC RECESSIVE DEAFNESS 8; Deafness, autosomal recessive 10. Identifiers: Orphanet 90636, MedGen C1832827, MONDO:0010987, OMIM 601072.

gnomAD v4.1: 6 of 1,613,830 alleles (0.00037%); highest among the groups gnomAD compares: African/African-American, 0.0053%; no homozygotes.

Submission:

Institute of Rare Diseases, West China Hospital, Sichuan University
Classification: Pathogenic for Autosomal recessive nonsyndromic hearing loss 8. Last evaluated: 2025-01-09. Review status: criteria provided, single submitter. Criteria: ClinGen HL ACMG Specifications v1. Collection method: research. Allele origin: germline. Affected: yes.
Comment: PVS1;PM3;PM2_Supporting